The following is an entry in ClinVar:

ClinVar aggregate classification (germline): Likely benign (1 of 4 stars; one submission).

Allele frequency attached by ClinVar (database versions not stated): gnomAD exomes 0.00048; gnomAD 0.00097.
gnomAD v4.1: 350 of 648,370 alleles (0.054%); highest among the groups gnomAD compares: Middle Eastern, 1.5%; 16 homozygotes.

Submissions (2):

CeGaT Center for Human Genetics Tuebingen
Classification: Likely benign. Last evaluated: 2024-03-01. Review status: criteria provided, single submitter. Criteria: CeGaT Center For Human Genetics Tuebingen Variant Classification Criteria Version 2. Collection method: clinical testing. Allele origin: germline. Affected: yes. Observed: 3 variant alleles.
Comment: HLA-DRB5: BP4, BP7, BS2

Dr. Peter K. Rogan Lab, Western University
No classification provided (evidence only). Condition: Malignant tumor of urinary bladder. Review status: no classification provided. Collection method: in vitro. Allele origin: not applicable. Functional consequence: skipped exon. Not counted in ClinVar's aggregate classification.

NM_002125.4(HLA-DRB5):c.381G>A (p.Lys127=)

Gene: HLA-DRB5 (major histocompatibility complex, class II, DR beta 5; minus strand). Cytogenetic location: 6p21.32.
Variant type: single nucleotide variant.
Coding change: c.381G>A on transcript NM_002125.4 (MANE Select); coding-DNA position 381, G replaced by A.
Protein change: p.Lys127=; no amino-acid change (lysine 127 retained).
Molecular consequence: synonymous variant.
Genome position (GRCh38, 1-based): chr6:32,519,641, C>T on the plus strand (G>A on the coding strand, the complement: HLA-DRB5 is on the minus strand). VCF-style: chr6-32519641-C-T. GRCh37 (hg19) VCF-style: chr6-32487418-C-T.
Other names: NC_000006.11:g.32487418C>T.
Identifiers: ClinVar variation 2656452 (VCV002656452.25), dbSNP rs771206465, ClinGen allele CA3742091.